The following is an entry in ClinVar:

ClinVar aggregate classification (germline): Uncertain significance (1 of 4 stars; one submission).

Allele frequency attached by ClinVar (database versions not stated): gnomAD exomes below 0.00001; gnomAD 0.00001; TOPMed 0.00001.
gnomAD v4.1: 3 of 1,613,430 alleles (0.00019%); highest among the groups gnomAD compares: African/African-American, 0.0013%; no homozygotes.

Submission:

Labcorp Genetics (formerly Invitae), Labcorp
Classification: Uncertain significance. Last evaluated: 2025-12-08. Review status: criteria provided, single submitter. Criteria: Invitae Variant Classification Sherloc (09022015). Collection method: clinical testing. Allele origin: germline.
Comment: This sequence change replaces histidine, which is basic and polar, with arginine, which is basic and polar, at codon 3077 of the DNAH9 protein (p.His3077Arg). This variant is present in population databases (no rsID available, gnomAD 0.0009%). This variant has not been reported in the literature in individuals affected with DNAH9-related conditions. ClinVar contains an entry for this variant (Variation ID: 1928532). Invitae Evidence Modeling of protein sequence and biophysical properties (such as structural, functional, and spatial information, amino acid conservation, physicochemical variation, residue mobility, and thermodynamic stability) indicates that this missense variant is not expected to disrupt DNAH9 protein function with a negative predictive value of 80%. In summary, the available evidence is currently insufficient to determine the role of this variant in disease. Therefore, it has been classified as a Variant of Uncertain Significance.

NM_001372.4(DNAH9):c.9230A>G (p.His3077Arg)

Gene: DNAH9 (dynein axonemal heavy chain 9; plus strand). Cytogenetic location: 17p12.
Variant type: single nucleotide variant.
Coding change: c.9230A>G on transcript NM_001372.4 (MANE Select); coding-DNA position 9230, A replaced by G.
Protein change: p.His3077Arg; replaces histidine 3077 with arginine.
Molecular consequence: missense variant.
Genome position (GRCh38, 1-based): chr17:11,823,018, A>G. VCF-style: chr17-11823018-A-G. GRCh37 (hg19) VCF-style: chr17-11726335-A-G.
Other names: short protein forms H3077R.
Identifiers: ClinVar variation 1928532 (VCV001928532.5), dbSNP rs1185995491, ClinGen allele CA398200789.
Genomic context (GRCh38, chr17:11,823,018, plus strand): 5'-GGCACAGAAAAGAGCTCAAGTGCAAGACAGAGCGGTTGGAGAACGGGCTGCTGAAGCTGC[A>G]TAGCACCTCTGCCCAGGTGAGCAATGTCCCGCTCCTTCCACCTGCAGGGGACTTGGAGGG-3'
Protein context (NP_001363.2, residues 3067-3087): ERLENGLLKL[His3077Arg]STSAQVDDLK